The following is an entry in ClinVar:

ClinVar aggregate classification (germline): Uncertain significance (1 of 4 stars; one submission).

Conditions:
Hereditary cancer-predisposing syndrome. Also called: Neoplastic Syndromes, Hereditary; Hereditary Cancer Syndrome; Tumor predisposition; Hereditary neoplastic syndrome. Identifiers: Orphanet 140162, MedGen C0027672, MeSH D009386, MONDO:0015356.

Submission:

Ambry Genetics
Classification: Uncertain significance for Hereditary cancer-predisposing syndrome. Last evaluated: 2022-12-05. Review status: criteria provided, single submitter. Criteria: Ambry Variant Classification Scheme 2023. Collection method: clinical testing. Allele origin: germline.
Comment: The p.L1073I variant (also known as c.3217C>A), located in coding exon 19 of the PTCH1 gene, results from a C to A substitution at nucleotide position 3217. The leucine at codon 1073 is replaced by isoleucine, an amino acid with highly similar properties. This amino acid position is conserved. In addition, the in silico prediction for this alteration is inconclusive. Since supporting evidence is limited at this time, the clinical significance of this alteration remains unclear.

NM_000264.5(PTCH1):c.3217C>A (p.Leu1073Ile)

Gene: PTCH1 (patched 1; minus strand). Cytogenetic location: 9q22.32.
Variant type: single nucleotide variant.
Coding change: c.3217C>A on transcript NM_000264.5 (MANE Select); coding-DNA position 3217, C replaced by A.
Protein change: p.Leu1073Ile; replaces leucine 1073 with isoleucine.
Molecular consequence: missense variant. On other transcripts: non-coding transcript variant (1).
Genome position (GRCh38, 1-based): chr9:95,456,365, G>T on the plus strand (C>A on the coding strand, the complement: PTCH1 is on the minus strand). VCF-style: chr9-95456365-G-T. GRCh37 (hg19) VCF-style: chr9-98218647-G-T.
Other names: c.3019C>A, p.Leu1007Ile (NM_001083602.3); c.3214C>A, p.Leu1072Ile (NM_001083603.3); c.2764C>A, p.Leu922Ile (NM_001083604.3, NM_001083605.3, NM_001083606.3 and 1 more transcripts); c.3061C>A, p.Leu1021Ile (NM_001354918.2); short protein forms L1073I, L1007I, L1021I, L1072I, L922I.
Identifiers: ClinVar variation 2449637 (VCV002449637.2), dbSNP rs1336953843, ClinGen allele CA374112132.